The following is an entry in ClinVar:

ClinVar aggregate classification (germline): Likely benign. Review status: criteria provided, multiple submitters, no conflicts (2 of 4 stars). 4 submissions from 4 submitters: Likely benign (3). 1 of the submissions does not count toward it. Last evaluated 2025-08-08.

Conditions:
ZNF469-related disorder. Also called: ZNF469-related condition.
Cardiovascular phenotype. Identifiers: MedGen CN230736.

Allele frequency attached by ClinVar (database versions not stated): gnomAD 0.00001; gnomAD exomes 0.00001 and 0.00006; TOPMed 0.00003; 1000 Genomes Project 30x 0.00016.
gnomAD v4.1: 80 of 1,549,866 alleles (0.0052%); highest among the groups gnomAD compares: Non-Finnish European, 0.0066%; no homozygotes.

Submissions (4):

Mayo Clinic Laboratories, Mayo Clinic
Classification: Likely benign. Last evaluated: 2025-08-08. Review status: criteria provided, single submitter. Criteria: ACMG Guidelines, 2015. Collection method: clinical testing. Allele origin: germline. Observed: 1 variant allele.
Comment: BP4, BP7

Labcorp Genetics (formerly Invitae), Labcorp
Classification: Likely benign. Last evaluated: 2024-10-03. Review status: criteria provided, single submitter. Criteria: Invitae Variant Classification Sherloc (09022015). Collection method: clinical testing. Allele origin: germline.

Ambry Genetics
Classification: Likely benign for Cardiovascular phenotype. Last evaluated: 2023-08-29. Review status: criteria provided, single submitter. Criteria: Ambry Variant Classification Scheme 2023. Collection method: clinical testing. Allele origin: germline.

PreventionGenetics, part of Exact Sciences
Classification: Likely benign for ZNF469-related condition. Last evaluated: 2021-12-30. Review status: no assertion criteria provided. Collection method: clinical testing. Allele origin: germline. Not counted in ClinVar's aggregate classification.
Comment: This variant is classified as likely benign based on ACMG/AMP sequence variant interpretation guidelines (Richards et al. 2015 PMID: 25741868, with internal and published modifications).

NM_001367624.2(ZNF469):c.7983C>T (p.Gly2661=)

Gene: ZNF469 (zinc finger protein 469; plus strand). Cytogenetic location: 16q24.2.
Variant type: single nucleotide variant.
Coding change: c.7983C>T on transcript NM_001367624.2 (MANE Select); coding-DNA position 7983, C replaced by T.
Protein change: p.Gly2661=; no amino-acid change (glycine 2661 retained).
Molecular consequence: synonymous variant.
Genome position (GRCh38, 1-based): chr16:88,435,453, C>T. VCF-style: chr16-88435453-C-T. GRCh37 (hg19) VCF-style: chr16-88501861-C-T.
Other names: NM_001127464.1:c.7899C>T; NM_001127464.2:c.7899C>T; p.Gly2661=.
Identifiers: ClinVar variation 1602923 (VCV001602923.13), dbSNP rs181124665, ClinGen allele CA286383360.
Genomic context (GRCh38, chr16:88,435,453, plus strand): 5'-AAGGCTCCGGGAGGAGAGCATTCTTCCAGTCTCTGCTGATGTGATTTCAGATGGGCGCGG[C>T]TCCAGACCATCCCCTGCAATGGCCAGTTACGCAGCCTCTCCGAGCCACTGCCTCTCTGTG-3'
Protein context (NP_001354553.1, residues 2651-2671): VSADVISDGR[Gly2661=]SRPSPAMASY